The following is an entry in ClinVar:

NM_022114.4(PRDM16):c.817C>T (p.Leu273Phe)

Gene: PRDM16 (PR/SET domain 16; plus strand). Cytogenetic location: 1p36.32.
Variant type: single nucleotide variant.
Coding change: c.817C>T on transcript NM_022114.4 (MANE Select); coding-DNA position 817, C replaced by T.
Protein change: p.Leu273Phe; replaces leucine 273 with phenylalanine.
Molecular consequence: missense variant.
Genome position (GRCh38, 1-based): chr1:3,402,931, C>T. VCF-style: chr1-3402931-C-T. GRCh37 (hg19) VCF-style: chr1-3319495-C-T.
Other names: c.817C>T, p.Leu273Phe (NM_199454.3); c.817C>T (NM_022114.3); short protein forms L273F.
Identifiers: ClinVar variation 2054419 (VCV002054419.6), dbSNP rs1024921070, ClinGen allele CA17016236.

ClinVar aggregate classification (germline): Uncertain significance. Review status: criteria provided, multiple submitters, no conflicts (2 of 4 stars). 3 submissions from 3 submitters: Uncertain significance (3). Last evaluated 2026-02-23.

Conditions:
Left ventricular noncompaction 8 (LVNC8). Identifiers: Orphanet 154, Orphanet 54260, MedGen C3809288, MONDO:0014152, OMIM 615373.

Allele frequency attached by ClinVar (database versions not stated): TOPMed 0.00001; gnomAD exomes 0.00002.
gnomAD v4.1: 9 of 1,612,736 alleles (0.00056%); highest among the groups gnomAD compares: Non-Finnish European, 0.00076%; no homozygotes.

Submissions (3):

GeneDx
Classification: Uncertain significance. Last evaluated: 2026-02-23. Review status: criteria provided, single submitter. Criteria: GeneDx Variant Classification Process June 2021. Collection method: clinical testing. Allele origin: germline.
Comment: Not observed at significant frequency in large population cohorts (gnomAD); In silico analysis suggests that this missense variant does not alter protein structure/function; Has not been previously published as pathogenic or benign to our knowledge

Women's Health and Genetics/Laboratory Corporation of America, LabCorp
Classification: Uncertain significance. Last evaluated: 2025-03-28. Review status: criteria provided, single submitter. Criteria: LabCorp Variant Classification Summary - May 2015. Collection method: clinical testing. Allele origin: germline.

Labcorp Genetics (formerly Invitae), Labcorp
Classification: Uncertain significance for Left ventricular noncompaction 8. Last evaluated: 2024-09-23. Review status: criteria provided, single submitter. Criteria: Invitae Variant Classification Sherloc (09022015). Collection method: clinical testing. Allele origin: germline.
Comment: This sequence change replaces leucine, which is neutral and non-polar, with phenylalanine, which is neutral and non-polar, at codon 273 of the PRDM16 protein (p.Leu273Phe). This variant is not present in population databases (gnomAD no frequency). This variant has not been reported in the literature in individuals affected with PRDM16-related conditions. ClinVar contains an entry for this variant (Variation ID: 2054419). An algorithm developed to predict the effect of missense changes on protein structure and function (PolyPhen-2) suggests that this variant is likely to be tolerated. In summary, the available evidence is currently insufficient to determine the role of this variant in disease. Therefore, it has been classified as a Variant of Uncertain Significance.